The following is an entry in ClinVar:

ClinVar aggregate classification (germline): Uncertain significance. Review status: criteria provided, multiple submitters, no conflicts (2 of 4 stars). 3 submissions from 3 submitters: Uncertain significance (3). Last evaluated 2026-03-24.

Conditions:
LHFPL5-related disorder. Also called: LHFPL5-related condition.

Allele frequency attached by ClinVar (database versions not stated): ExAC 0.00001; gnomAD 0.00001; gnomAD exomes 0.00002; TOPMed 0.00003; ESP Exome Variant Server 0.00008.
gnomAD v4.1: 25 of 1,614,052 alleles (0.0015%); highest among the groups gnomAD compares: African/African-American, 0.004%; no homozygotes.

Submissions (3):

PreventionGenetics, part of Exact Sciences
Classification: Uncertain significance for LHFPL5-related condition. Last evaluated: 2026-03-24. Review status: criteria provided, single submitter. Criteria: ACMG Guidelines, 2015. Collection method: clinical testing. Allele origin: germline.
Comment: The LHFPL5 c.562G>A variant is predicted to result in the amino acid substitution p.Asp188Asn. To our knowledge, this variant has not been reported in the literature or in a large population database (gnomAD), indicating this variant is rare. At this time, the clinical significance of this variant is uncertain due to the absence of conclusive functional and genetic evidence.

Labcorp Genetics (formerly Invitae), Labcorp
Classification: Uncertain significance. Last evaluated: 2022-11-08. Review status: criteria provided, single submitter. Criteria: Invitae Variant Classification Sherloc (09022015). Collection method: clinical testing. Allele origin: germline.
Comment: In summary, the available evidence is currently insufficient to determine the role of this variant in disease. Therefore, it has been classified as a Variant of Uncertain Significance. Algorithms developed to predict the effect of missense changes on protein structure and function are either unavailable or do not agree on the potential impact of this missense change (SIFT: "Deleterious"; PolyPhen-2: "Probably Damaging"; Align-GVGD: "Class C0"). ClinVar contains an entry for this variant (Variation ID: 872550). This variant has not been reported in the literature in individuals affected with LHFPL5-related conditions. This variant is present in population databases (rs144981322, gnomAD 0.0009%). This sequence change replaces aspartic acid, which is acidic and polar, with asparagine, which is neutral and polar, at codon 188 of the LHFPL5 protein (p.Asp188Asn).

CeGaT Center for Human Genetics Tuebingen
Classification: Uncertain significance. Last evaluated: 2020-01-01. Review status: criteria provided, single submitter. Criteria: CeGaT Center For Human Genetics Tuebingen Variant Classification Criteria Version 2. Collection method: clinical testing. Allele origin: germline. Affected: yes. Observed: 2 variant alleles.

NM_182548.4(LHFPL5):c.562G>A (p.Asp188Asn)

Gene: LHFPL5 (LHFPL tetraspan subfamily member 5; plus strand). Cytogenetic location: 6p21.31.
Variant type: single nucleotide variant.
Coding change: c.562G>A on transcript NM_182548.4 (MANE Select); coding-DNA position 562, G replaced by A.
Protein change: p.Asp188Asn; replaces aspartic acid 188 with asparagine.
Molecular consequence: missense variant.
Genome position (GRCh38, 1-based): chr6:35,814,695, G>A. VCF-style: chr6-35814695-G-A. GRCh37 (hg19) VCF-style: chr6-35782472-G-A.
Other names: c.562G>A (NM_182548.3); short protein forms D188N.
Identifiers: ClinVar variation 872550 (VCV000872550.48), dbSNP rs144981322, ClinGen allele CA3774439.